The following is an entry in ClinVar:

NM_014989.7(RIMS1):c.2895G>A (p.Pro965=)

Gene: RIMS1 (regulating synaptic membrane exocytosis 1; plus strand). Cytogenetic location: 6q13.
Variant type: single nucleotide variant.
Coding change: c.2895G>A on transcript NM_014989.7 (MANE Select); coding-DNA position 2895, G replaced by A.
Protein change: p.Pro965=; no amino-acid change (proline 965 retained).
Molecular consequence: synonymous variant.
Genome position (GRCh38, 1-based): chr6:72,258,249, G>A. VCF-style: chr6-72258249-G-A. GRCh37 (hg19) VCF-style: chr6-72967952-G-A.
Other names: c.1314G>A, p.Pro438= (NM_001168407.2, NM_001350415.2, NM_001350418.2 and 19 more transcripts); c.1317G>A, p.Pro439= (NM_001168408.2, NM_001350414.2, NM_001350416.2 and 15 more transcripts); c.1074G>A, p.Pro358= (NM_001168409.2, NM_001350464.2, NM_001350465.2 and 3 more transcripts); c.1272G>A, p.Pro424= (NM_001168410.2, NM_001350470.2, NM_001350473.2 and 1 more transcripts); c.1245G>A, p.Pro415= (NM_001350421.2, NM_001350430.2, NM_001350437.2 and 2 more transcripts); c.1248G>A, p.Pro416= (NM_001350424.2, NM_001350428.2, NM_001350459.2 and 1 more transcripts); c.1071G>A, p.Pro357= (NM_001350461.2, NM_001350463.2, NM_001350468.2); c.1269G>A, p.Pro423= (NM_001350472.2).
Identifiers: ClinVar variation 260495 (VCV000260495.47), dbSNP rs41265493, ClinGen allele CA3886062.
Genomic context (GRCh38, chr6:72,258,249, plus strand): 5'-AACAACTCATCACCGCTCACGTTCAGTATCTCCTCATCGCGGCAATGATCAGGGAAAGCC[G>A]CGTTCACGTTTACCAAATGTGCCATTACAGAGGTAGGCTTTGAAATGGGCTCAGTGTCCC-3'
Protein context (NP_055804.2, residues 955-975): SPHRGNDQGK[Pro965=]RSRLPNVPLQ

ClinVar aggregate classification (germline): Benign. Review status: criteria provided, multiple submitters, no conflicts (2 of 4 stars). 4 submissions from 4 submitters: Benign (4). Last evaluated 2026-06-01.

Conditions:
Cone-rod dystrophy 7 (CORD7). Identifiers: Orphanet 1872, MedGen C1863634, MONDO:0011355, OMIM 603649.

Allele frequency attached by ClinVar (database versions not stated): 1000 Genomes Project 0.00479; 1000 Genomes Project 30x 0.00500; ESP Exome Variant Server 0.00746; TOPMed 0.00751; ExAC 0.00795; gnomAD 0.00819 and 0.00826; gnomAD exomes 0.00876.
gnomAD v4.1: 17,530 of 1,613,340 alleles (1.1%); highest among the groups gnomAD compares: Middle Eastern, 2%; 129 homozygotes.

Submissions (4):

CeGaT Center for Human Genetics Tuebingen
Classification: Benign. Last evaluated: 2026-06-01. Review status: criteria provided, single submitter. Criteria: CeGaT Center For Human Genetics Tuebingen Variant Classification Criteria Version 2. Collection method: clinical testing. Allele origin: germline. Affected: yes. Observed: 9 variant alleles.
Comment: RIMS1: BP4, BP7, BS1, BS2

Labcorp Genetics (formerly Invitae), Labcorp
Classification: Benign. Last evaluated: 2026-01-27. Review status: criteria provided, single submitter. Criteria: Invitae Variant Classification Sherloc (09022015). Collection method: clinical testing. Allele origin: germline.

Illumina Laboratory Services, Illumina
Classification: Benign for Cone-rod dystrophy 7. Last evaluated: 2018-01-13. Review status: criteria provided, single submitter. Criteria: ICSL Variant Classification Criteria 13 December 2019. Collection method: clinical testing. Allele origin: germline.
Comment: This variant was observed in the ICSL laboratory as part of a predisposition screen in an ostensibly healthy population. It had not been previously curated by ICSL or reported in the Human Gene Mutation Database (HGMD: prior to June 1st, 2018), and was therefore a candidate for classification through an automated scoring system. Utilizing variant allele frequency, disease prevalence and penetrance estimates, and inheritance mode, an automated score was calculated to assess if this variant is too frequent to cause the disease. Based on the score and internal cut-off values, a variant classified as benign is not then subjected to further curation. The score for this variant resulted in a classification of benign for this disease.

PreventionGenetics, part of Exact Sciences
Classification: Benign. Review status: criteria provided, single submitter. Criteria: ACMG Guidelines, 2015. Collection method: clinical testing. Allele origin: germline.